The following is an entry in ClinVar:

ClinVar aggregate classification (germline): Conflicting classifications of pathogenicity. Review status: criteria provided, conflicting classifications (1 of 4 stars). 3 submissions from 3 submitters: Uncertain significance (1); Likely benign (2). Last evaluated 2026-06-24.

Conditions:
Hereditary breast ovarian cancer syndrome. Also called: Hereditary breast and ovarian cancer; Hereditary breast and/or ovarian cancer syndrome; Breast and ovarian cancer; Hereditary breast and ovarian cancer syndrome; Hereditary breast and ovarian cancer syndrome (HBOC); BRCA1- and BRCA2-Associated Hereditary Breast and Ovarian Cancer. Identifiers: Orphanet 145, MedGen C0677776, MeSH D061325, MONDO:0003582. Disease mechanism: loss of function.
Hereditary cancer-predisposing syndrome. Also called: Tumor predisposition; Hereditary Cancer Syndrome; Hereditary neoplastic syndrome; Neoplastic Syndromes, Hereditary. Identifiers: Orphanet 140162, MedGen C0027672, MeSH D009386, MONDO:0015356.

gnomAD v4.1: 1 of 1,613,632 alleles (0.000062%); highest among the groups gnomAD compares: Non-Finnish European, 0.000085%; no homozygotes.

Submissions (3):

Ambry Genetics
Classification: Likely benign for Hereditary cancer-predisposing syndrome. Last evaluated: 2026-06-24. Review status: criteria provided, single submitter. Criteria: Ambry Variant Classification Scheme 2023. Collection method: clinical testing. Allele origin: germline.

Labcorp Genetics (formerly Invitae), Labcorp
Classification: Uncertain significance for Hereditary breast ovarian cancer syndrome. Last evaluated: 2025-03-17. Review status: criteria provided, single submitter. Criteria: Invitae Variant Classification Sherloc (09022015). Collection method: clinical testing. Allele origin: germline.
Comment: This sequence change replaces threonine, which is neutral and polar, with isoleucine, which is neutral and non-polar, at codon 939 of the BRCA2 protein (p.Thr939Ile). This variant is not present in population databases (gnomAD no frequency). This variant has not been reported in the literature in individuals affected with BRCA2-related conditions. ClinVar contains an entry for this variant (Variation ID: 2118398). Invitae Evidence Modeling of protein sequence and biophysical properties (such as structural, functional, and spatial information, amino acid conservation, physicochemical variation, residue mobility, and thermodynamic stability) indicates that this missense variant is not expected to disrupt BRCA2 protein function with a negative predictive value of 95%. In summary, the available evidence is currently insufficient to determine the role of this variant in disease. Therefore, it has been classified as a Variant of Uncertain Significance.

University of Washington Department of Laboratory Medicine, University of Washington
Classification: Likely benign for Hereditary cancer-predisposing syndrome. Last evaluated: 2023-03-23. Review status: criteria provided, single submitter. Criteria: Dines et al. (Genet Med. 2020). Collection method: curation. Allele origin: germline.
Comment: Missense variant in a coldspot region where missense variants are very unlikely to be pathogenic (PMID:31911673).

BRCA2 exon 11 coldspot. Reclassification based on statistical prior probability.

NM_000059.4(BRCA2):c.2816C>T (p.Thr939Ile)

Gene: BRCA2 (BRCA2 DNA repair associated; plus strand). Cytogenetic location: 13q13.1.
Variant type: single nucleotide variant.
Coding change: c.2816C>T on transcript NM_000059.4 (MANE Select); coding-DNA position 2816, C replaced by T.
Protein change: p.Thr939Ile; replaces threonine 939 with isoleucine.
Molecular consequence: missense variant.
Genome position (GRCh38, 1-based): chr13:32,337,171, C>T. VCF-style: chr13-32337171-C-T. GRCh37 (hg19) VCF-style: chr13-32911308-C-T.
Other names: c.2816C>T, p.Thr939Ile (NM_001406719.1, NM_001406720.1); short protein forms T939I.
Identifiers: ClinVar variation 2118398 (VCV002118398.7), dbSNP rs1555282879, ClinGen allele CA387773778.